The following is an entry in ClinVar:

NM_001081.4(CUBN):c.*45C>T

Gene: CUBN (cubilin; minus strand). Cytogenetic location: 10p13.
Variant type: single nucleotide variant.
Coding change: c.*45C>T on transcript NM_001081.4 (MANE Select); 45 bases downstream of the stop codon, C replaced by T.
Molecular consequence: 3 prime UTR variant.
Genome position (GRCh38, 1-based): chr10:16,824,930, G>A on the plus strand (C>T on the coding strand, the complement: CUBN is on the minus strand). VCF-style: chr10-16824930-G-A. GRCh37 (hg19) VCF-style: chr10-16866929-G-A.
Identifiers: ClinVar variation 299354 (VCV000299354.8), dbSNP rs7085076, ClinGen allele CA5422259.

ClinVar aggregate classification (germline): Benign/Likely benign. Review status: criteria provided, multiple submitters, no conflicts (2 of 4 stars). 3 submissions from 3 submitters: Benign (1); Likely benign (2). Last evaluated 2020-03-25.

Conditions:
Imerslund-Grasbeck syndrome type 1 (IGS1). Also called: Megaloblastic anemia 1, Finnish type; MEGALOBLASTIC ANEMIA, 1; Imerslund-Gräsbeck syndrome 1. Identifiers: MedGen C4016819, MONDO:0100156, OMIM 261100.

Allele frequency attached by ClinVar (database versions not stated): 1000 Genomes Project 30x 0.00843; gnomAD 0.00968 and 0.01027; 1000 Genomes Project 0.00978; TOPMed 0.01030; gnomAD exomes 0.00229; ESP Exome Variant Server 0.01053; ExAC 0.00296.
gnomAD v4.1: 2,659 of 1,337,886 alleles (0.2%); highest among the groups gnomAD compares: African/African-American, 3.3%; 59 homozygotes.

Submissions (3):

GeneDx
Classification: Likely benign. Last evaluated: 2020-03-25. Review status: criteria provided, single submitter. Criteria: GeneDx Variant Classification Process June 2021. Collection method: clinical testing. Allele origin: germline. Affected: yes.

Illumina Laboratory Services, Illumina
Classification: Benign for Imerslund-Grasbeck syndrome type 1. Last evaluated: 2018-01-13. Review status: criteria provided, single submitter. Criteria: ICSL Variant Classification Criteria 13 December 2019. Collection method: clinical testing. Allele origin: germline.
Comment: This variant was observed in the ICSL laboratory as part of a predisposition screen in an ostensibly healthy population. It had not been previously curated by ICSL or reported in the Human Gene Mutation Database (HGMD: prior to June 1st, 2018), and was therefore a candidate for classification through an automated scoring system. Utilizing variant allele frequency, disease prevalence and penetrance estimates, and inheritance mode, an automated score was calculated to assess if this variant is too frequent to cause the disease. Based on the score and internal cut-off values, a variant classified as benign is not then subjected to further curation. The score for this variant resulted in a classification of benign for this disease.

Breakthrough Genomics
Classification: Likely benign. Review status: criteria provided, single submitter. Criteria: ACMG Guidelines, 2015. Collection method: not provided. Allele origin: germline. Inheritance: Autosomal recessive inheritance. Affected: yes.